The following is an entry in ClinVar:

ClinVar aggregate classification (germline): Likely benign (0 of 4 stars; one submission).

Conditions:
CSMD1-related disorder. Also called: CSMD1-related condition.

Allele frequency attached by ClinVar (database versions not stated): gnomAD 0.00027; TOPMed 0.00031; ExAC 0.00053; 1000 Genomes Project 0.00200; 1000 Genomes Project 30x 0.00203.
gnomAD v4.1: 273 of 1,612,624 alleles (0.017%); highest among the groups gnomAD compares: East Asian, 0.42%; 2 homozygotes.

Submission:

PreventionGenetics, part of Exact Sciences
Classification: Likely benign for CSMD1-related condition. Last evaluated: 2019-07-10. Review status: no assertion criteria provided. Collection method: clinical testing. Allele origin: germline.
Comment: This variant is classified as likely benign based on ACMG/AMP sequence variant interpretation guidelines (Richards et al. 2015 PMID: 25741868, with internal and published modifications).

NM_033225.6(CSMD1):c.1209G>A (p.Arg403=)

Gene: CSMD1 (CUB and Sushi multiple domains 1; minus strand). Cytogenetic location: 8p23.2.
Variant type: single nucleotide variant.
Coding change: c.1209G>A on transcript NM_033225.6 (MANE Select); coding-DNA position 1209, G replaced by A.
Protein change: p.Arg403=; no amino-acid change (arginine 403 retained).
Molecular consequence: synonymous variant.
Genome position (GRCh38, 1-based): chr8:3,586,149, C>T on the plus strand (G>A on the coding strand, the complement: CSMD1 is on the minus strand). VCF-style: chr8-3586149-C-T. GRCh37 (hg19) VCF-style: chr8-3443671-C-T.
Identifiers: ClinVar variation 3050311 (VCV003050311.2), dbSNP rs377071972, ClinGen allele CA4609049.